The following is an entry in ClinVar:

NM_138295.5(PKD1L1):c.3276C>G (p.Thr1092=)

Gene: PKD1L1 (polycystin 1 like 1, transient receptor potential channel interacting; minus strand). Cytogenetic location: 7p12.3.
Variant type: single nucleotide variant.
Coding change: c.3276C>G on transcript NM_138295.5 (MANE Select); coding-DNA position 3276, C replaced by G.
Protein change: p.Thr1092=; no amino-acid change (threonine 1092 retained).
Molecular consequence: synonymous variant.
Genome position (GRCh38, 1-based): chr7:47,882,075, G>C on the plus strand (C>G on the coding strand, the complement: PKD1L1 is on the minus strand). VCF-style: chr7-47882075-G-C. GRCh37 (hg19) VCF-style: chr7-47921673-G-C.
Identifiers: ClinVar variation 4988392 (VCV004988392.1).

ClinVar aggregate classification (germline): Likely benign (1 of 4 stars; one submission).

Conditions:
PKD1L1-related disorder. Also called: PKD1L1-related condition.

gnomAD v4.1: 71 of 1,613,046 alleles (0.0044%); highest among the groups gnomAD compares: Admixed American, 0.0017%; 2 homozygotes.

Submission:

PreventionGenetics, part of Exact Sciences
Classification: Likely benign for PKD1L1-related condition. Last evaluated: 2025-05-22. Review status: criteria provided, single submitter. Criteria: ACMG Guidelines, 2015. Collection method: clinical testing. Allele origin: germline.
Comment: This variant is classified as likely benign based on ACMG/AMP sequence variant interpretation guidelines (Richards et al. 2015 PMID: 25741868, with internal and published modifications).